The following is an entry in ClinVar:

NM_032898.5(CEP19):c.245C>T (p.Ser82Leu)

Gene: CEP19 (centrosomal protein 19; minus strand). Cytogenetic location: 3q29.
Variant type: single nucleotide variant.
Coding change: c.245C>T on transcript NM_032898.5 (MANE Select); coding-DNA position 245, C replaced by T.
Protein change: p.Ser82Leu; replaces serine 82 with leucine.
Molecular consequence: missense variant.
Genome position (GRCh38, 1-based): chr3:196,707,798, G>A on the plus strand (C>T on the coding strand, the complement: CEP19 is on the minus strand). VCF-style: chr3-196707798-G-A. GRCh37 (hg19) VCF-style: chr3-196434669-G-A.
Other names: c.140C>T, p.Ser47Leu (NM_001379468.1); c.245C>T, p.Ser82Leu (NM_001379469.1, NM_001379470.1); c.257C>T (NM_032898.3); short protein forms S47L, S82L.
Identifiers: ClinVar variation 1420934 (VCV001420934.7), dbSNP rs543733692, ClinGen allele CA2782117.

ClinVar aggregate classification (germline): Uncertain significance. Review status: criteria provided, multiple submitters, no conflicts (2 of 4 stars). 2 submissions from 2 submitters: Uncertain significance (2). Last evaluated 2024-10-25.

Allele frequency attached by ClinVar (database versions not stated): gnomAD 0.00001; TOPMed 0.00001.

Submissions (2):

Labcorp Genetics (formerly Invitae), Labcorp
Classification: Uncertain significance. Last evaluated: 2024-10-25. Review status: criteria provided, single submitter. Criteria: Invitae Variant Classification Sherloc (09022015). Collection method: clinical testing. Allele origin: germline.
Comment: This sequence change replaces serine, which is neutral and polar, with leucine, which is neutral and non-polar, at codon 86 of the CEP19 protein (p.Ser86Leu). This variant is present in population databases (rs543733692, gnomAD 0.006%), including at least one homozygous and/or hemizygous individual. This variant has not been reported in the literature in individuals affected with CEP19-related conditions. ClinVar contains an entry for this variant (Variation ID: 1420934). An algorithm developed to predict the effect of missense changes on protein structure and function outputs the following: PolyPhen-2: "Benign". The leucine amino acid residue is found in multiple mammalian species, which suggests that this missense change does not adversely affect protein function. In summary, the available evidence is currently insufficient to determine the role of this variant in disease. Therefore, it has been classified as a Variant of Uncertain Significance.

Ambry Genetics
Classification: Uncertain significance. Last evaluated: 2024-04-12. Review status: criteria provided, single submitter. Criteria: Ambry Variant Classification Scheme 2023. Collection method: clinical testing. Allele origin: germline.